The following is an entry in ClinVar:

ClinVar aggregate classification (germline): Uncertain significance (1 of 4 stars; one submission).

Conditions:
Arginine:glycine amidinotransferase deficiency (CCDS3). Also called: L-Arginine:Glycine Amidinotransferase (AGAT) Deficiency; AGAT deficiency; L-Arginine:Glycine Amidinotransferase Deficiency; Creatine deficiency syndrome due to AGAT deficiency; GATM deficiency; Cerebral creatine deficiency syndrome 3. Identifiers: Orphanet 35704, MedGen C2675179, MONDO:0012996, OMIM 612718.

Submission:

Labcorp Genetics (formerly Invitae), Labcorp
Classification: Uncertain significance for Arginine:glycine amidinotransferase deficiency. Last evaluated: 2023-03-04. Review status: criteria provided, single submitter. Criteria: Invitae Variant Classification Sherloc (09022015). Collection method: clinical testing. Allele origin: germline.
Comment: In summary, the available evidence is currently insufficient to determine the role of this variant in disease. Therefore, it has been classified as a Variant of Uncertain Significance. Advanced modeling of protein sequence and biophysical properties (such as structural, functional, and spatial information, amino acid conservation, physicochemical variation, residue mobility, and thermodynamic stability) performed at Invitae indicates that this missense variant is not expected to disrupt GATM protein function. This variant has not been reported in the literature in individuals affected with GATM-related conditions. This variant is not present in population databases (gnomAD no frequency). This sequence change replaces cysteine, which is neutral and slightly polar, with phenylalanine, which is neutral and non-polar, at codon 64 of the GATM protein (p.Cys64Phe).

NM_001482.3(GATM):c.191G>T (p.Cys64Phe)

Gene: GATM (glycine amidinotransferase; minus strand). Cytogenetic location: 15q21.1.
Variant type: single nucleotide variant.
Coding change: c.191G>T on transcript NM_001482.3 (MANE Select); coding-DNA position 191, G replaced by T.
Protein change: p.Cys64Phe; replaces cysteine 64 with phenylalanine.
Molecular consequence: missense variant. On other transcripts: 5 prime UTR variant (1).
Genome position (GRCh38, 1-based): chr15:45,376,698, C>A on the plus strand (G>T on the coding strand, the complement: GATM is on the minus strand). VCF-style: chr15-45376698-C-A. GRCh37 (hg19) VCF-style: chr15-45668896-C-A.
Other names: c.-197G>T (NM_001321015.2); short protein forms C64F.
Identifiers: ClinVar variation 2843022 (VCV002843022.3), dbSNP rs1418671209, ClinGen allele CA392265351.